The following is an entry in ClinVar:

ClinVar aggregate classification (germline): Likely benign (1 of 4 stars; one submission).

Allele frequency attached by ClinVar (database versions not stated): 1000 Genomes Project 0.00120; 1000 Genomes Project 30x 0.00125; ESP Exome Variant Server 0.00131.
gnomAD v4.1: 309 of 1,614,180 alleles (0.019%); highest among the groups gnomAD compares: African/African-American, 0.36%; 1 homozygote.

Submission:

CeGaT Center for Human Genetics Tuebingen
Classification: Likely benign. Last evaluated: 2022-05-01. Review status: criteria provided, single submitter. Criteria: CeGaT Center For Human Genetics Tuebingen Variant Classification Criteria Version 2. Collection method: clinical testing. Allele origin: germline. Affected: yes. Observed: 1 variant allele.
Comment: HRC: BP4, BP7

NM_002152.3(HRC):c.291G>A (p.Lys97=)

Gene: HRC (histidine rich calcium binding protein; minus strand). Cytogenetic location: 19q13.33.
Variant type: single nucleotide variant.
Coding change: c.291G>A on transcript NM_002152.3 (MANE Select); coding-DNA position 291, G replaced by A.
Protein change: p.Lys97=; no amino-acid change (lysine 97 retained).
Molecular consequence: synonymous variant.
Genome position (GRCh38, 1-based): chr19:49,154,947, C>T on the plus strand (G>A on the coding strand, the complement: HRC is on the minus strand). VCF-style: chr19-49154947-C-T. GRCh37 (hg19) VCF-style: chr19-49658204-C-T.
Identifiers: ClinVar variation 2650237 (VCV002650237.24), dbSNP rs74666147, ClinGen allele CA9568543.